The following is an entry in ClinVar:

ClinVar aggregate classification (germline): Benign (1 of 4 stars; one submission).

Conditions:
Papillary renal cell carcinoma type 1 (RCCP1). Also called: Renal adenocarcinoma; Renal cell carcinoma 1; Renal cell carcinoma, somatic; RENAL CELL CARCINOMA, PAPILLARY, 1, SOMATIC. Identifiers: Orphanet 47044, MedGen C1336839, OMIM 605074, HP:0011797.

Submission:

Myriad Genetics, Inc.
Classification: Benign for Papillary renal cell carcinoma type 1. Last evaluated: 2024-11-06. Review status: criteria provided, single submitter. Criteria: Myriad Autosomal Dominant, Autosomal Recessive and X-Linked Classification Criteria (2023). Collection method: clinical testing. Allele origin: unknown.
Comment: This variant is considered benign. This variant has been observed at a population frequency that is significantly greater than expected given the associated disease prevalence and penetrance.

NM_000245.4(MET):c.144_147delinsAGAG (p.Ala48_Glu49=)

Gene: MET (MET proto-oncogene, receptor tyrosine kinase; plus strand). Cytogenetic location: 7q31.2.
Variant type: Indel.
Coding change: c.144_147delinsAGAG on transcript NM_000245.4 (MANE Select); coding-DNA positions 144 to 147, GGAA replaced by AGAG.
Protein change: p.Ala48_Glu49=.
Molecular consequence: synonymous variant. On other transcripts: intron variant (1).
Genome position (GRCh38, 1-based): chr7:116,699,228-116,699,231, GGAA replaced by AGAG. VCF-style: chr7-116699228-GGAA-AGAG. GRCh37 (hg19) VCF-style: chr7-116339282-GGAA-AGAG.
Other names: c.144_147delinsAGAG, p.Ala48_Glu49= (NM_001127500.3, NM_001324401.3); c.-91+26651_-91+26654delinsAGAG (NM_001324402.2).
Identifiers: ClinVar variation 3773271 (VCV003773271.1).